The following is an entry in ClinVar:

ClinVar aggregate classification (germline): Uncertain significance (1 of 4 stars; one submission).

Conditions:
Tuberous sclerosis 2 (TSC2). Identifiers: Orphanet 805, MedGen C1860707, MONDO:0013199, OMIM 613254.

Submission:

Labcorp Genetics (formerly Invitae), Labcorp
Classification: Uncertain significance for Tuberous sclerosis 2. Last evaluated: 2022-06-16. Review status: criteria provided, single submitter. Criteria: Invitae Variant Classification Sherloc (09022015). Collection method: clinical testing. Allele origin: germline.
Comment: In summary, the available evidence is currently insufficient to determine the role of this variant in disease. Therefore, it has been classified as a Variant of Uncertain Significance. Advanced modeling of protein sequence and biophysical properties (such as structural, functional, and spatial information, amino acid conservation, physicochemical variation, residue mobility, and thermodynamic stability) performed at Invitae indicates that this missense variant is expected to disrupt TSC2 protein function. This variant has not been reported in the literature in individuals affected with TSC2-related conditions. This variant is not present in population databases (gnomAD no frequency). This sequence change replaces asparagine, which is neutral and polar, with aspartic acid, which is acidic and polar, at codon 1643 of the TSC2 protein (p.Asn1643Asp).

NM_000548.5(TSC2):c.4927A>G (p.Asn1643Asp)

Gene: TSC2 (TSC complex subunit 2; plus strand). Cytogenetic location: 16p13.3.
Variant type: single nucleotide variant.
Coding change: c.4927A>G on transcript NM_000548.5 (MANE Select); coding-DNA position 4927, A replaced by G.
Protein change: p.Asn1643Asp; replaces asparagine 1643 with aspartic acid.
Molecular consequence: missense variant.
Genome position (GRCh38, 1-based): chr16:2,086,809, A>G. VCF-style: chr16-2086809-A-G. GRCh37 (hg19) VCF-style: chr16-2136810-A-G.
Other names: c.4711A>G, p.Asn1571Asp (NM_001406675.1); c.4708A>G, p.Asn1570Asp (NM_001406676.1); c.4669A>G, p.Asn1557Asp (NM_001406677.1); c.4615A>G, p.Asn1539Asp (NM_001406678.1); c.4579A>G, p.Asn1527Asp (NM_001406679.1); c.4327A>G, p.Asn1443Asp (NM_001406680.1); c.4267A>G, p.Asn1423Asp (NM_001406681.1); c.4258A>G, p.Asn1420Asp (NM_001406682.1, NM_001406683.1); and 26 more; short protein forms N1042D, N1129D, N1152D, N1540D, N1571D, N1572D, N1606D, N1642D.
Identifiers: ClinVar variation 2007528 (VCV002007528.4), dbSNP rs45517379, ClinGen allele CA394308598.